The following is an entry in ClinVar:

NM_001041.4(SI):c.5086C>T (p.Pro1696Ser)

Gene: SI (sucrase-isomaltase; minus strand). Cytogenetic location: 3q26.1.
Variant type: single nucleotide variant.
Coding change: c.5086C>T on transcript NM_001041.4 (MANE Select); coding-DNA position 5086, C replaced by T.
Protein change: p.Pro1696Ser; replaces proline 1696 with serine.
Molecular consequence: missense variant.
Genome position (GRCh38, 1-based): chr3:164,991,375, G>A on the plus strand (C>T on the coding strand, the complement: SI is on the minus strand). VCF-style: chr3-164991375-G-A. GRCh37 (hg19) VCF-style: chr3-164709163-G-A.
Other names: short protein forms P1696S.
Identifiers: ClinVar variation 2798586 (VCV002798586.3), dbSNP rs774867899, ClinGen allele CA2689668.

ClinVar aggregate classification (germline): Uncertain significance (1 of 4 stars; one submission).

Allele frequency attached by ClinVar (database versions not stated): gnomAD 0.00001; TOPMed 0.00001.
gnomAD v4.1: 3 of 1,613,556 alleles (0.00019%); highest among the groups gnomAD compares: African/African-American, 0.0027%; no homozygotes.

Submission:

Labcorp Genetics (formerly Invitae), Labcorp
Classification: Uncertain significance. Last evaluated: 2023-12-01. Review status: criteria provided, single submitter. Criteria: Invitae Variant Classification Sherloc (09022015). Collection method: clinical testing. Allele origin: germline.
Comment: This sequence change replaces proline, which is neutral and non-polar, with serine, which is neutral and polar, at codon 1696 of the SI protein (p.Pro1696Ser). This variant is present in population databases (rs774867899, gnomAD 0.007%). This variant has not been reported in the literature in individuals affected with SI-related conditions. Advanced modeling of protein sequence and biophysical properties (such as structural, functional, and spatial information, amino acid conservation, physicochemical variation, residue mobility, and thermodynamic stability) has been performed at Invitae for this missense variant, however the output from this modeling did not meet the statistical confidence thresholds required to predict the impact of this variant on SI protein function. In summary, the available evidence is currently insufficient to determine the role of this variant in disease. Therefore, it has been classified as a Variant of Uncertain Significance.